The following is an entry in ClinVar:

ClinVar aggregate classification (germline): Likely benign. Review status: criteria provided, multiple submitters, no conflicts (2 of 4 stars). 2 submissions from 2 submitters: Likely benign (2). Last evaluated 2025-10-28.

Conditions:
Ehlers-Danlos syndrome, dermatosparaxis type. Also called: Ehlers-Danlos syndrome, type VII, autosomal recessive; Dermatosparaxis; EDS VIIC. Identifiers: Orphanet 1901, MedGen C2700425, MONDO:0009161, OMIM 225410.

Allele frequency attached by ClinVar (database versions not stated): gnomAD exomes below 0.00001 and 0.00002; ExAC 0.00001; TOPMed 0.00003.
gnomAD v4.1: 23 of 1,613,300 alleles (0.0014%); highest among the groups gnomAD compares: Admixed American, 0.005%; no homozygotes.

Submissions (2):

Labcorp Genetics (formerly Invitae), Labcorp
Classification: Likely benign for Ehlers-Danlos syndrome, dermatosparaxis type. Last evaluated: 2025-10-28. Review status: criteria provided, single submitter. Criteria: Invitae Variant Classification Sherloc (09022015). Collection method: clinical testing. Allele origin: germline.

GeneDx
Classification: Likely benign. Last evaluated: 2017-08-23. Review status: criteria provided, single submitter. Criteria: GeneDx Variant Classification (06012015). Collection method: clinical testing. Allele origin: germline. Affected: yes.
Comment: This variant is considered likely benign or benign based on one or more of the following criteria: it is a conservative change, it occurs at a poorly conserved position in the protein, it is predicted to be benign by multiple in silico algorithms, and/or has population frequency not consistent with disease.

NM_014244.5(ADAMTS2):c.2617+14G>A

Gene: ADAMTS2 (ADAM metallopeptidase with thrombospondin type 1 motif 2; minus strand). Cytogenetic location: 5q35.3.
Variant type: single nucleotide variant.
Coding change: c.2617+14G>A on transcript NM_014244.5 (MANE Select); 14 bases into the intron after coding-DNA position 2617, G replaced by A.
Molecular consequence: intron variant.
Genome position (GRCh38, 1-based): chr5:179,127,945, C>T on the plus strand (G>A on the coding strand, the complement: ADAMTS2 is on the minus strand). VCF-style: chr5-179127945-C-T. GRCh37 (hg19) VCF-style: chr5-178554946-C-T.
Identifiers: ClinVar variation 511669 (VCV000511669.6), dbSNP rs753127866, ClinGen allele CA3595502.